The following is an entry in ClinVar:

ClinVar aggregate classification (germline): Conflicting classifications of pathogenicity. Review status: criteria provided, conflicting classifications (1 of 4 stars). 3 submissions from 3 submitters: Uncertain significance (1); Likely benign (2). Last evaluated 2026-01-05.

Conditions:
Neonatal pseudo-hydrocephalic progeroid syndrome. Also called: Wiedemann-Rautenstrauch syndrome. Identifiers: Orphanet 3455, MedGen C0406586, MONDO:0009910, OMIM 264090.

Allele frequency attached by ClinVar (database versions not stated): TOPMed 0.00001.
gnomAD v4.1: 52 of 1,577,862 alleles (0.0033%); highest among the groups gnomAD compares: South Asian, 0.033%; no homozygotes.

Submissions (3):

Labcorp Genetics (formerly Invitae), Labcorp
Classification: Likely benign. Last evaluated: 2026-01-05. Review status: criteria provided, single submitter. Criteria: Invitae Variant Classification Sherloc (09022015). Collection method: clinical testing. Allele origin: germline.

Blueprint Genetics
Classification: Likely benign. Last evaluated: 2024-11-22. Review status: criteria provided, single submitter. Criteria: ACMG Guidelines, 2015. Collection method: clinical testing. Allele origin: germline.

Centre for Mendelian Genomics, University Medical Centre Ljubljana
Classification: Uncertain significance for Neonatal pseudo-hydrocephalic progeroid syndrome. Last evaluated: 2019-01-22. Review status: criteria provided, single submitter. Criteria: ACMG Guidelines, 2015. Collection method: clinical testing. Allele origin: unknown. Affected: yes.
Comment: This variant was classified as: Uncertain significance. The available evidence on this variant's pathogenicity is insufficient or conflicting. The following ACMG criteria were applied in classifying this variant: PM2,BP4.

NM_007055.4(POLR3A):c.2988+18C>T

Gene: POLR3A (RNA polymerase III subunit A; minus strand). Cytogenetic location: 10q22.3.
Variant type: single nucleotide variant.
Coding change: c.2988+18C>T on transcript NM_007055.4 (MANE Select); 18 bases into the intron after coding-DNA position 2988, C replaced by T.
Molecular consequence: intron variant.
Genome position (GRCh38, 1-based): chr10:77,986,055, G>A on the plus strand (C>T on the coding strand, the complement: POLR3A is on the minus strand). VCF-style: chr10-77986055-G-A. GRCh37 (hg19) VCF-style: chr10-79745813-G-A.
Identifiers: ClinVar variation 931424 (VCV000931424.12), dbSNP rs369684554, ClinGen allele CA5570965.